The following is an entry in ClinVar:

NM_001370259.2(MEN1):c.413C>T (p.Ala138Val)

Gene: MEN1 (menin 1; minus strand). Cytogenetic location: 11q13.1.
Variant type: single nucleotide variant.
Coding change: c.413C>T on transcript NM_001370259.2 (MANE Select); coding-DNA position 413, C replaced by T.
Protein change: p.Ala138Val; replaces alanine 138 with valine.
Molecular consequence: missense variant. On other transcripts: non-coding transcript variant (4).
Genome position (GRCh38, 1-based): chr11:64,809,697, G>A on the plus strand (C>T on the coding strand, the complement: MEN1 is on the minus strand). VCF-style: chr11-64809697-G-A. GRCh37 (hg19) VCF-style: chr11-64577169-G-A.
Other names: c.413C>T, p.Ala138Val (NM_000244.4, NM_001370251.2, NM_001370260.2 and 20 more transcripts); short protein forms A138V.
Identifiers: ClinVar variation 4106576 (VCV004106576.1).

ClinVar aggregate classification (germline): Uncertain significance (1 of 4 stars; one submission).

Conditions:
Hereditary cancer-predisposing syndrome. Also called: Tumor predisposition; Neoplastic Syndromes, Hereditary; Hereditary neoplastic syndrome; Hereditary Cancer Syndrome. Identifiers: Orphanet 140162, MedGen C0027672, MeSH D009386, MONDO:0015356.

Submission:

Ambry Genetics
Classification: Uncertain significance for Hereditary cancer-predisposing syndrome. Last evaluated: 2025-08-19. Review status: criteria provided, single submitter. Criteria: Ambry Variant Classification Scheme 2023. Collection method: clinical testing. Allele origin: germline.
Comment: The p.A138V variant (also known as c.413C>T), located in coding exon 1 of the MEN1 gene, results from a C to T substitution at nucleotide position 413. The alanine at codon 138 is replaced by valine, an amino acid with similar properties. This amino acid position is conserved. In addition, this alteration is predicted to be deleterious by in silico analysis. Based on the available evidence, the clinical significance of this variant remains unclear.